The following is an entry in ClinVar:

NM_001042681.2(RERE):c.3536G>T (p.Arg1179Leu)

Gene: RERE (arginine-glutamic acid dipeptide repeats; minus strand). Cytogenetic location: 1p36.23.
Variant type: single nucleotide variant.
Coding change: c.3536G>T on transcript NM_001042681.2 (MANE Select); coding-DNA position 3536, G replaced by T.
Protein change: p.Arg1179Leu; replaces arginine 1179 with leucine.
Molecular consequence: missense variant.
Genome position (GRCh38, 1-based): chr1:8,359,846, C>A on the plus strand (G>T on the coding strand, the complement: RERE is on the minus strand). VCF-style: chr1-8359846-C-A. GRCh37 (hg19) VCF-style: chr1-8419906-C-A.
Other names: c.1874G>T, p.Arg625Leu (NM_001042682.2); c.3536G>T, p.Arg1179Leu (NM_012102.4); short protein forms R1179L, R625L.
Identifiers: ClinVar variation 521657 (VCV000521657.5), dbSNP rs150925051, ClinGen allele CA338170369.

ClinVar aggregate classification (germline): Uncertain significance. Review status: criteria provided, multiple submitters, no conflicts (2 of 4 stars). 2 submissions from 2 submitters: Uncertain significance (2). Last evaluated 2024-04-23.

Conditions:
Inborn genetic diseases. Identifiers: MedGen C0950123, MeSH D030342.

Allele frequency attached by ClinVar (database versions not stated): TOPMed 0.00001.
gnomAD v4.1: 14 of 1,610,738 alleles (0.00087%); highest among the groups gnomAD compares: Admixed American, 0.0017%; no homozygotes.

Submissions (2):

Women's Health and Genetics/Laboratory Corporation of America, LabCorp
Classification: Uncertain significance. Last evaluated: 2024-04-23. Review status: criteria provided, single submitter. Criteria: LabCorp Variant Classification Summary - May 2015. Collection method: clinical testing. Allele origin: germline.
Comment: Variant summary: RERE c.3536G>T (p.Arg1179Leu) results in a non-conservative amino acid change in the encoded protein sequence. Three of five in-silico tools predict a benign effect of the variant on protein function. The variant allele was found at a frequency of 4e-06 in 248700 control chromosomes. The available data on variant occurrences in the general population are insufficient to allow any conclusion about variant significance. To our knowledge, no occurrence of c.3536G>T in individuals affected with Neurodevelopmental Disorder With Or Without Anomalies Of The Brain, Eye, Or Heart and no experimental evidence demonstrating its impact on protein function have been reported. ClinVar contains an entry for this variant (Variation ID: 521657). Based on the evidence outlined above, the variant was classified as uncertain significance.

Ambry Genetics
Classification: Uncertain significance for Inborn genetic diseases. Last evaluated: 2017-03-29. Review status: criteria provided, single submitter. Criteria: Ambry exome assertion method (8-5-2015). Collection method: clinical testing. Allele origin: germline. Affected: yes. Observed: 1 variant allele.